The following is an entry in ClinVar:

NM_000059.4(BRCA2):c.9102G>T (p.Gln3034His)

Gene: BRCA2 (BRCA2 DNA repair associated; plus strand). Cytogenetic location: 13q13.1.
Variant type: single nucleotide variant.
Coding change: c.9102G>T on transcript NM_000059.4 (MANE Select); coding-DNA position 9102, G replaced by T.
Protein change: p.Gln3034His; replaces glutamine 3034 with histidine.
Molecular consequence: missense variant.
Genome position (GRCh38, 1-based): chr13:32,379,898, G>T. VCF-style: chr13-32379898-G-T. GRCh37 (hg19) VCF-style: chr13-32954035-G-T.
Other names: c.9006G>T, p.Gln3002His (NM_001406719.1); c.9051G>T, p.Gln3017His (NM_001406720.1); c.4170G>T, p.Gln1390His (NM_001406721.1); c.2685G>T, p.Gln895His (NM_001406722.1); short protein forms Q895H, Q3002H, Q3034H, Q1390H, Q3017H.
Identifiers: ClinVar variation 1765825 (VCV001765825.9), dbSNP rs1336395181, ClinGen allele CA387757699.

ClinVar aggregate classification (germline): Conflicting classifications of pathogenicity. Review status: criteria provided, conflicting classifications (1 of 4 stars). 3 submissions from 3 submitters: Uncertain significance (2); Likely benign (1). Last evaluated 2025-05-15.

Conditions:
Hereditary cancer-predisposing syndrome. Also called: Neoplastic Syndromes, Hereditary; Tumor predisposition; Hereditary Cancer Syndrome; Hereditary neoplastic syndrome. Identifiers: Orphanet 140162, MedGen C0027672, MeSH D009386, MONDO:0015356.
Hereditary breast ovarian cancer syndrome. Also called: Hereditary breast and ovarian cancer; Hereditary breast and ovarian cancer syndrome (HBOC); BRCA1- and BRCA2-Associated Hereditary Breast and Ovarian Cancer; Breast and ovarian cancer; Hereditary breast and/or ovarian cancer syndrome; Hereditary breast and ovarian cancer syndrome. Identifiers: Orphanet 145, MedGen C0677776, MeSH D061325, MONDO:0003582. Disease mechanism: loss of function.
Familial cancer of breast. Also called: hereditary breast carcinoma; BREAST CANCER, FAMILIAL; Hereditary breast cancer. Identifiers: Orphanet 227535, MedGen C0346153, MONDO:0016419, OMIM 114480. Disease mechanism: loss of function.

gnomAD v4.1: 1 of 1,613,712 alleles (0.000062%); highest among the groups gnomAD compares: Non-Finnish European, 0.000085%; no homozygotes.

Submissions (3):

Ambry Genetics
Classification: Likely benign for Hereditary cancer-predisposing syndrome. Last evaluated: 2025-05-15. Review status: criteria provided, single submitter. Criteria: Ambry Variant Classification Scheme 2023. Collection method: clinical testing. Allele origin: germline.

Baylor Genetics
Classification: Uncertain significance for Familial cancer of breast. Last evaluated: 2023-08-20. Review status: criteria provided, single submitter. Criteria: ACMG Guidelines, 2015. Collection method: clinical testing. Allele origin: unknown.

Labcorp Genetics (formerly Invitae), Labcorp
Classification: Uncertain significance for Hereditary breast ovarian cancer syndrome. Last evaluated: 2022-09-23. Review status: criteria provided, single submitter. Criteria: Invitae Variant Classification Sherloc (09022015). Collection method: clinical testing. Allele origin: germline.
Comment: In summary, the available evidence is currently insufficient to determine the role of this variant in disease. Therefore, it has been classified as a Variant of Uncertain Significance. Advanced modeling of protein sequence and biophysical properties (such as structural, functional, and spatial information, amino acid conservation, physicochemical variation, residue mobility, and thermodynamic stability) performed at Invitae indicates that this missense variant is not expected to disrupt BRCA2 protein function. This sequence change replaces glutamine, which is neutral and polar, with histidine, which is basic and polar, at codon 3034 of the BRCA2 protein (p.Gln3034His). This variant is not present in population databases (gnomAD no frequency). This missense change has been observed in individual(s) with prostate cancer (PMID: 29625052).

Literature cited by the submitters: PubMed 29625052 (cited by Labcorp Genetics (formerly Invitae), Labcorp).